The following is an entry in ClinVar:

ClinVar aggregate classification (germline): Likely benign. Review status: reviewed by expert panel (3 of 4 stars). 8 submissions from 8 submitters: Likely benign (1). 7 of the submissions do not count toward it. Last evaluated 2021-07-22.

Conditions:
MYO15A-related disorder. Also called: MYO15A-related condition.
Inborn genetic diseases. Identifiers: MedGen C0950123, MeSH D030342.
Nonsyndromic genetic hearing loss. Also called: Non-syndromic genetic deafness; Nonsyndromic hearing loss and deafness; Nonsyndromic genetic deafness. Identifiers: Orphanet 87884, MedGen C5680182, MONDO:0019497.

Allele frequency attached by ClinVar (database versions not stated): ExAC 0.00028; gnomAD exomes 0.00028; 1000 Genomes Project 0.00040; 1000 Genomes Project 30x 0.00062; ESP Exome Variant Server 0.00090; gnomAD 0.00097 and 0.00111; TOPMed 0.00099.
gnomAD v4.1: 298 of 1,611,354 alleles (0.018%); highest among the groups gnomAD compares: African/African-American, 0.32%; 2 homozygotes.

Submissions (8):

ClinGen Hearing Loss Variant Curation Expert Panel
Classification: Likely benign for Nonsyndromic genetic hearing loss. Last evaluated: 2021-07-22. Review status: reviewed by expert panel. Criteria: clingen hl acmg specifications otof myo15a v1. Collection method: curation. Allele origin: germline. Inheritance: Autosomal recessive inheritance.
Comment: The filtering allele frequency (the lower threshold of the 95% CI of 64/23748) of the c.1582G>A (p.Gly528Ser) variant in the MYO15A gene is 0.217% for African/African-American chromosomes by gnomAD, which is a higher frequency than would be expected for an autosomal recessive pathogenic variant based on the thresholds defined by the ClinGen Hearing Loss Expert Panel (BS1_Supporting). Additionally, computational prediction analysis using the metapredictor tool REVEL suggests that the variant may not impact the protein (BP4). In summary, this variant meets criteria to be classified as likely benign. ACMG/AMP criteria applied, as specified by the Hearing Loss Expert Panel: BS1_Supporting, BP4.

Women's Health and Genetics/Laboratory Corporation of America, LabCorp
Classification: Likely benign. Last evaluated: 2026-03-17. Review status: criteria provided, single submitter. Criteria: LabCorp Variant Classification Summary - May 2015. Collection method: clinical testing. Allele origin: germline. Not counted in ClinVar's aggregate classification.
Comment: Variant summary: MYO15A c.1582G>A (p.Gly528Ser) results in a non-conservative amino acid change in the encoded protein sequence. Algorithms developed to predict the effect of missense changes on protein structure and function are either unavailable or do not agree on the potential impact of this missense change. The variant allele was found at a frequency of 0.00028 in 243688 control chromosomes, predominantly at a frequency of 0.003 within the African or African-American subpopulation in the gnomAD database. The observed variant frequency within African or African-American control individuals in the gnomAD database exceeds the estimated maximal expected allele frequency for disease-causing variants in MYO15A. To our knowledge, no occurrence of c.1582G>A in individuals affected with MYO15A-related conditions and no experimental evidence demonstrating its impact on protein function have been reported. ClinVar contains an entry for this variant (Variation ID: 504629). Based on the evidence outlined above, the variant was classified as likely benign.

Labcorp Genetics (formerly Invitae), Labcorp
Classification: Likely benign. Last evaluated: 2026-01-28. Review status: criteria provided, single submitter. Criteria: Invitae Variant Classification Sherloc (09022015). Collection method: clinical testing. Allele origin: germline. Not counted in ClinVar's aggregate classification.

Blueprint Genetics
Classification: Likely benign. Last evaluated: 2024-10-18. Review status: criteria provided, single submitter. Criteria: ACMG Guidelines, 2015. Collection method: clinical testing. Allele origin: germline. Not counted in ClinVar's aggregate classification.

Ambry Genetics
Classification: Uncertain significance for Inborn genetic diseases. Last evaluated: 2021-09-27. Review status: criteria provided, single submitter. Criteria: Ambry Variant Classification Scheme 2023. Collection method: clinical testing. Allele origin: germline. Not counted in ClinVar's aggregate classification.

GeneDx
Classification: Likely benign. Last evaluated: 2021-03-17. Review status: criteria provided, single submitter. Criteria: GeneDx Variant Classification Process June 2021. Collection method: clinical testing. Allele origin: germline. Affected: yes. Not counted in ClinVar's aggregate classification.

Laboratory for Molecular Medicine, Mass General Brigham Personalized Medicine
Classification: Likely benign. Last evaluated: 2017-05-02. Review status: criteria provided, single submitter. Criteria: LMM Criteria. Collection method: clinical testing. Allele origin: germline. Observed: 2 variant alleles. Not counted in ClinVar's aggregate classification.
Comment: p.Gly528Ser in exon 2 of MYO15A: This variant is not expected to have clinical s ignificance due to a lack of conservation across species, including mammals. Of note, 3 mammals (naked mole-rat, chinchilla, and brush-tailed rat) have a serine (Ser) at this position despite high nearby amino acid sequence conservation. In addition, other computational tools do not suggest an impact to the protein. It has been identified in 0.3% (65/23654) of African chromosomes by the Genome Agg regation Database (gnomAD; dbSNP rs199695398).

PreventionGenetics, part of Exact Sciences
Classification: Likely benign for MYO15A-related condition. Last evaluated: 2020-03-02. Review status: no assertion criteria provided. Collection method: clinical testing. Allele origin: germline. Not counted in ClinVar's aggregate classification.
Comment: This variant is classified as likely benign based on ACMG/AMP sequence variant interpretation guidelines (Richards et al. 2015 PMID: 25741868, with internal and published modifications).

NM_016239.4(MYO15A):c.1582G>A (p.Gly528Ser)

Gene: MYO15A (myosin XVA; plus strand). Cytogenetic location: 17p11.2.
Variant type: single nucleotide variant.
Coding change: c.1582G>A on transcript NM_016239.4 (MANE Select); coding-DNA position 1582, G replaced by A.
Protein change: p.Gly528Ser; replaces glycine 528 with serine.
Molecular consequence: missense variant.
Genome position (GRCh38, 1-based): chr17:18,120,382, G>A. VCF-style: chr17-18120382-G-A. GRCh37 (hg19) VCF-style: chr17-18023696-G-A.
Other names: NM_016239.4(MYO15A):c.1582G>A; short protein forms G528S.
Identifiers: ClinVar variation 504629 (VCV000504629.20), dbSNP rs199695398, ClinGen allele CA8423128.